The following is an entry in ClinVar:

NM_020631.6(PLEKHG5):c.2312C>A (p.Ser771Tyr)

Gene: PLEKHG5 (pleckstrin homology and RhoGEF domain containing G5; minus strand). Cytogenetic location: 1p36.31.
Variant type: single nucleotide variant.
Coding change: c.2312C>A on transcript NM_020631.6 (MANE Select); coding-DNA position 2312, C replaced by A.
Protein change: p.Ser771Tyr; replaces serine 771 with tyrosine.
Molecular consequence: missense variant.
Genome position (GRCh38, 1-based): chr1:6,468,524, G>T on the plus strand (C>A on the coding strand, the complement: PLEKHG5 is on the minus strand). VCF-style: chr1-6468524-G-T. GRCh37 (hg19) VCF-style: chr1-6528584-G-T.
Other names: c.2423C>A, p.Ser808Tyr (NM_001042663.3, NM_001265592.2); c.2312C>A, p.Ser771Tyr (NM_001042664.2, NM_001042665.2, NM_001265594.3 and 1 more transcripts); c.2519C>A, p.Ser840Tyr (NM_001265593.2); short protein forms S771Y, S808Y, S840Y.
Identifiers: ClinVar variation 1367102 (VCV001367102.6), dbSNP rs1644465940, ClinGen allele CA338117768.
Genomic context (GRCh38, chr1:6,468,524, plus strand): 5'-GTGCTGAGAGAGGTCTCATCAGACTGGGAGCTGAAAGGACCGCTGTCGAACTCGGGGGAG[G>T]ACAGCGTGTCCCCAGGCTCTACCACAACCATGGCCAGGGTCTCCGTGGAGCCATCTGAGG-3'
Protein context (NP_065682.2, residues 761-781): MVVVEPGDTL[Ser771Tyr]SPEFDSGPFS

ClinVar aggregate classification (germline): Uncertain significance (1 of 4 stars; one submission).

Conditions:
Neuronopathy, distal hereditary motor, autosomal recessive 4. Also called: Autosomal recessive lower motor neuron disease with childhood onset; NEUROPATHY, DISTAL HEREDITARY MOTOR, AUTOSOMAL RECESSIVE 4. Identifiers: Orphanet 206580, MedGen C1970211, MONDO:0012608, OMIM 611067.
Charcot-Marie-Tooth disease recessive intermediate C. Also called: CHARCOT-MARIE-TOOTH NEUROPATHY, RECESSIVE INTERMEDIATE C. Identifiers: Orphanet 369867, MedGen C3809309, MONDO:0014154, OMIM 615376.

Submission:

Labcorp Genetics (formerly Invitae), Labcorp
Classification: Uncertain significance for Neuronopathy, distal hereditary motor, autosomal recessive 4; Charcot-Marie-Tooth disease recessive intermediate C. Last evaluated: 2021-07-13. Review status: criteria provided, single submitter. Criteria: Invitae Variant Classification Sherloc (09022015). Collection method: clinical testing. Allele origin: germline.
Comment: This variant is not present in population databases (ExAC no frequency). This sequence change replaces serine with tyrosine at codon 771 of the PLEKHG5 protein (p.Ser771Tyr). The serine residue is moderately conserved and there is a large physicochemical difference between serine and tyrosine. This variant has not been reported in the literature in individuals affected with PLEKHG5-related conditions. Algorithms developed to predict the effect of missense changes on protein structure and function are either unavailable or do not agree on the potential impact of this missense change (SIFT: "Tolerated"; PolyPhen-2: "Possibly Damaging"; Align-GVGD: "Class C0"). In summary, the available evidence is currently insufficient to determine the role of this variant in disease. Therefore, it has been classified as a Variant of Uncertain Significance.